The following is an entry in ClinVar:

NC_000006.11:g.(?_10813857)_(10813976_?)del

Gene: MAK (male germ cell associated kinase; minus strand). Cytogenetic location: 6p24.2.
Variant type: Deletion.
Identifiers: ClinVar variation 2424009 (VCV002424009.3).

ClinVar aggregate classification (germline): Pathogenic (1 of 4 stars; one submission).

Submission:

Labcorp Genetics (formerly Invitae), Labcorp
Classification: Pathogenic. Last evaluated: 2024-01-19. Review status: criteria provided, single submitter. Criteria: Invitae Variant Classification Sherloc (09022015). Collection method: clinical testing. Allele origin: germline.
Comment: This variant is a gross deletion of the genomic region encompassing exon(s) 4 of the MAK gene. This deletion is out-of-frame, and is expected to create a premature termination codon and result in an absent or disrupted protein product. Loss-of-function variants in MAK are known to be pathogenic (PMID: 21148103, 21825139, 24938718, 29781741). This variant has not been reported in the literature in individuals affected with MAK-related conditions. For these reasons, this variant has been classified as Pathogenic.

Literature cited by the submitters: PubMed 21148103; PubMed 21825139; PubMed 24938718; PubMed 29781741.